The following is an entry in ClinVar:

NC_000015.9:g.(?_42614560)_(42676697_?)del

Genes: CAPN3 (calpain 3; plus strand), GANC (glucosidase alpha, neutral C; plus strand). Cytogenetic location: 15q15.1.
Variant type: Deletion.
Identifiers: ClinVar variation 2422299 (VCV002422299.6).

ClinVar aggregate classification (germline): Likely pathogenic (1 of 4 stars; one submission).

Conditions:
Autosomal recessive limb-girdle muscular dystrophy type 2A (LGMDR1). Also called: Limb-girdle muscular dystrophy, type 2A; Calpainopathy; Muscular dystrophy, limb-girdle, type 2A, Amish; LEYDEN-MOEBIUS MUSCULAR DYSTROPHY; MUSCULAR DYSTROPHY, PELVOFEMORAL. Identifiers: Orphanet 267, MedGen C1869123, MONDO:0009675, OMIM 253600. Disease mechanism: loss of function.

Submission:

Labcorp Genetics (formerly Invitae), Labcorp
Classification: Likely pathogenic for Autosomal recessive limb-girdle muscular dystrophy type 2A. Last evaluated: 2022-02-04. Review status: criteria provided, single submitter. Criteria: Invitae Variant Classification Sherloc (09022015). Collection method: clinical testing. Allele origin: germline.
Comment: This variant has not been reported in the literature in individuals affected with CAPN3-related conditions. This variant results in the deletion of exon 1 and part of exon 2 (c.-37444_327del) of the CAPN3 gene. It is expected to result in an absent or disrupted protein product. Loss-of-function variants in CAPN3 are known to be pathogenic (PMID: 10330340, 15689361). In summary, the currently available evidence indicates that the variant is pathogenic, but additional data are needed to prove that conclusively. Therefore, this variant has been classified as Likely Pathogenic.

Literature cited by the submitters: PubMed 10330340; PubMed 15689361.